The following is an entry in ClinVar:

ClinVar aggregate classification (germline): Conflicting classifications of pathogenicity. Review status: criteria provided, conflicting classifications (1 of 4 stars). 3 submissions from 3 submitters: Uncertain significance (1); Likely benign (2). Last evaluated 2026-03-10.

Conditions:
Microangiopathy and leukoencephalopathy, pontine, autosomal dominant. Also called: DEMENTIA, HEREDITARY MULTI-INFARCT, SWEDISH TYPE; Pontine autosomal dominant microangiopathy with leukoencephalopathy. Identifiers: Orphanet 477749, MedGen C5231411, MONDO:0032814, OMIM 618564.
Retinal arterial tortuosity. Also called: Retinal arteries, tortuosity of; RETINAL HEMORRHAGE WITH VASCULAR TORTUOSITY. Identifiers: Orphanet 75326, MedGen C0423401, MONDO:0008373, OMIM 180000, HP:0000631.
Hemorrhage, intracerebral, susceptibility to (ICH). Also called: Stroke, hemorrhagic, susceptibility to. Identifiers: MedGen C3281105, MONDO:0100533, OMIM 614519.
Brain small vessel disease 1 with or without ocular anomalies (BSVD1). Also called: PORENCEPHALY, TYPE 1, AUTOSOMAL DOMINANT; BRAIN SMALL VESSEL DISEASE WITH HEMORRHAGE; GOULD SYNDROME 1; Brain small vessel disease with or without ocular anomalies. Identifiers: Orphanet 2940, Orphanet 36383, Orphanet 99810, MedGen C4755307, MONDO:0008289, OMIM 175780.
Autosomal dominant familial hematuria-retinal arteriolar tortuosity-contractures syndrome. Also called: Angiopathy, hereditary, with nephropathy, aneurysms, and muscle cramps; Hereditary Angiopathy with Nephropathy, Aneurysms, and Muscle Cramps (HANAC) Syndrome. Identifiers: Orphanet 73229, MedGen C2673195, MONDO:0012726, OMIM 611773.
COL4A1-related disorder. Also called: COL4A1-related condition; COL4A1-related disorders. Identifiers: MedGen CN376119, MONDO:0800461.

Allele frequency attached by ClinVar (database versions not stated): gnomAD exomes below 0.00001 and 0.00003; TOPMed below 0.00001; ExAC 0.00001; ESP Exome Variant Server 0.00008.
gnomAD v4.1: 37 of 1,614,168 alleles (0.0023%); highest among the groups gnomAD compares: Non-Finnish European, 0.0031%; no homozygotes.

Submissions (3):

PreventionGenetics, part of Exact Sciences
Classification: Likely benign for COL4A1-related condition. Last evaluated: 2026-03-10. Review status: criteria provided, single submitter. Criteria: ACMG Guidelines, 2015. Collection method: clinical testing. Allele origin: germline.
Comment: This variant is classified as likely benign based on ACMG/AMP sequence variant interpretation guidelines (Richards et al. 2015 PMID: 25741868, with internal and published modifications).

Labcorp Genetics (formerly Invitae), Labcorp
Classification: Likely benign. Last evaluated: 2025-12-09. Review status: criteria provided, single submitter. Criteria: Invitae Variant Classification Sherloc (09022015). Collection method: clinical testing. Allele origin: germline.

Fulgent Genetics
Classification: Uncertain significance for Brain small vessel disease 1 with or without ocular anomalies; Retinal arterial tortuosity; Autosomal dominant familial hematuria-retinal arteriolar tortuosity-contractures syndrome; Hemorrhage, intracerebral, susceptibility to; Microangiopathy and leukoencephalopathy, pontine, autosomal dominant. Last evaluated: 2023-12-27. Review status: criteria provided, single submitter. Criteria: ACMG Guidelines, 2015. Collection method: clinical testing. Allele origin: germline.

NM_001845.6(COL4A1):c.1092A>T (p.Pro364=)

Gene: COL4A1 (collagen type IV alpha 1 chain; minus strand). Cytogenetic location: 13q34.
Variant type: single nucleotide variant.
Coding change: c.1092A>T on transcript NM_001845.6 (MANE Select); coding-DNA position 1092, A replaced by T.
Protein change: p.Pro364=; no amino-acid change (proline 364 retained).
Molecular consequence: synonymous variant.
Genome position (GRCh38, 1-based): chr13:110,200,882, T>A on the plus strand (A>T on the coding strand, the complement: COL4A1 is on the minus strand). VCF-style: chr13-110200882-T-A. GRCh37 (hg19) VCF-style: chr13-110853229-T-A.
Other names: c.1092A>T, p.Pro364= (NM_001303110.2).
Identifiers: ClinVar variation 755755 (VCV000755755.9), dbSNP rs141208458, ClinGen allele CA7048056.